The following is an entry in ClinVar:

ClinVar aggregate classification (germline): Conflicting classifications of pathogenicity. Review status: criteria provided, conflicting classifications (1 of 4 stars). 3 submissions from 3 submitters: Uncertain significance (1); Likely benign (2). Last evaluated 2026-01-02.

Conditions:
Multiple endocrine neoplasia type 2A. Also called: MULTIPLE ENDOCRINE NEOPLASIA, TYPE IIA; PTC SYNDROME; SIPPLE SYNDROME; MEN 2A; MEN-2A syndrome; Pheochromocytoma and amyloid producing medullary thyroid carcinoma. Identifiers: Orphanet 247698, Orphanet 653, MedGen C0025268, MeSH D018813, MONDO:0008234, OMIM 171400.
Hereditary cancer-predisposing syndrome. Also called: Neoplastic Syndromes, Hereditary; Tumor predisposition; Hereditary Cancer Syndrome; Hereditary neoplastic syndrome. Identifiers: Orphanet 140162, MedGen C0027672, MeSH D009386, MONDO:0015356.
Multiple endocrine neoplasia, type 2 (MEN2). Identifiers: Orphanet 653, MedGen C4048306, MONDO:0019003. Disease mechanism: gain of function.

Submissions (3):

Ambry Genetics
Classification: Uncertain significance for Hereditary cancer-predisposing syndrome. Last evaluated: 2026-01-02. Review status: criteria provided, single submitter. Criteria: Ambry Variant Classification Scheme 2023. Collection method: clinical testing. Allele origin: germline.
Comment: The c.2731-5T>C intronic variant results from a T to C substitution 5 nucleotides upstream from coding exon 16 in the RET gene. This nucleotide position is not well conserved in available vertebrate species. In silico splice site analysis predicts that this alteration will not have any significant effect on splicing. Based on the available evidence, the clinical significance of this variant remains unclear.

Myriad Genetics, Inc.
Classification: Likely benign for Multiple endocrine neoplasia type 2A. Last evaluated: 2025-02-27. Review status: criteria provided, single submitter. Criteria: Myriad Autosomal Dominant, Autosomal Recessive and X-Linked Classification Criteria (2023). Collection method: clinical testing. Allele origin: unknown.
Comment: This variant is considered likely benign. This variant is intronic and is not expected to impact mRNA splicing.

Labcorp Genetics (formerly Invitae), Labcorp
Classification: Likely benign for Multiple endocrine neoplasia, type 2. Last evaluated: 2022-05-29. Review status: criteria provided, single submitter. Criteria: Invitae Variant Classification Sherloc (09022015). Collection method: clinical testing. Allele origin: germline.

NM_020975.6(RET):c.2731-5T>C

Gene: RET (ret proto-oncogene; plus strand). Cytogenetic location: 10q11.21.
Variant type: single nucleotide variant.
Coding change: c.2731-5T>C on transcript NM_020975.6 (MANE Select); 5 bases into the intron before coding-DNA position 2731, T replaced by C.
Molecular consequence: intron variant.
Genome position (GRCh38, 1-based): chr10:43,121,941, T>C. VCF-style: chr10-43121941-T-C. GRCh37 (hg19) VCF-style: chr10-43617389-T-C.
Other names: c.2731-5T>C (NM_020630.7, NM_001406743.1, NM_001406744.1 and 3 more transcripts); c.2596-5T>C (NM_001406765.1, NM_001406763.1); c.2335-5T>C (NM_001406772.1, NM_001406769.1); c.2293-5T>C (NM_001406773.1, NM_001406771.1); c.1834-5T>C (NM_001406782.1, NM_001406780.1, NM_001406779.1 and 1 more transcripts); c.1699-5T>C (NM_001406787.1); c.1714-5T>C (NM_001406785.1); c.2602-5T>C (NM_001406764.1, NM_001406762.1, NM_001406761.1); and 10 more.
Identifiers: ClinVar variation 2074227 (VCV002074227.6), dbSNP rs2538595810, ClinGen allele CA2580081526.